The following is an entry in ClinVar:

NM_001267550.2(TTN):c.29637C>T (p.Asp9879=)

Gene: TTN (titin; minus strand). Cytogenetic location: 2q31.2.
Variant type: single nucleotide variant.
Coding change: c.29637C>T on transcript NM_001267550.2 (MANE Select); coding-DNA position 29637, C replaced by T.
Protein change: p.Asp9879=; no amino-acid change (aspartic acid 9879 retained).
Molecular consequence: synonymous variant. On other transcripts: intron variant (3).
Genome position (GRCh38, 1-based): chr2:178,704,934, G>A on the plus strand (C>T on the coding strand, the complement: TTN is on the minus strand). VCF-style: chr2-178704934-G-A. GRCh37 (hg19) VCF-style: chr2-179569661-G-A.
Other names: c.28686C>T, p.Asp9562= (NM_001256850.1); c.25905C>T, p.Asp8635= (NM_133378.4); c.13282+33148C>T (NM_003319.4); c.13858+33148C>T (NM_133437.4); c.13657+33148C>T (NM_133432.3).
Identifiers: ClinVar variation 413082 (VCV000413082.17), dbSNP rs375591605, ClinGen allele CA1999335.
Genomic context (GRCh38, chr2:178,704,934, plus strand): 5'-TACCTCTGTCTGTGACAGTCTTTGCTGAATAAATGATACAAGTTCCTCAAATTCCTTTTC[G>A]TCCCTCTCTGACCTCTCTATTTCCTCAATTTCCTGAGAAGAACAAAAATGATAGGCATTA-3'
Protein context (NP_001254479.2, residues 9869-9889): EIEEIERSER[Asp9879=]EKEFEELVSF

ClinVar aggregate classification (germline): Likely benign. Review status: criteria provided, multiple submitters, no conflicts (2 of 4 stars). 4 submissions from 4 submitters: Likely benign (4). Last evaluated 2025-12-29.

Conditions:
TTN-related disorder. Also called: TTN-related disorders; TTN-related condition; TTN-related disease.
Autosomal recessive limb-girdle muscular dystrophy type 2J (LGMDR10). Also called: Limb-girdle muscular dystrophy, type 2J; MUSCULAR DYSTROPHY, LIMB-GIRDLE, AUTOSOMAL RECESSIVE 10. Identifiers: Orphanet 140922, MedGen C1837342, MONDO:0012127, OMIM 608807.
Dilated cardiomyopathy 1G (CMD1G). Identifiers: Orphanet 154, MedGen C1858763, MONDO:0011400, OMIM 604145.

Allele frequency attached by ClinVar (database versions not stated): TOPMed 0.00004; gnomAD 0.00006; ESP Exome Variant Server 0.00008; 1000 Genomes Project 30x 0.00031.
gnomAD v4.1: 103 of 1,612,790 alleles (0.0064%); highest among the groups gnomAD compares: African/African-American, 0.011%; no homozygotes.

Submissions (4):

Labcorp Genetics (formerly Invitae), Labcorp
Classification: Likely benign for Dilated cardiomyopathy 1G; Autosomal recessive limb-girdle muscular dystrophy type 2J. Last evaluated: 2025-12-29. Review status: criteria provided, single submitter. Criteria: Invitae Variant Classification Sherloc (09022015). Collection method: clinical testing. Allele origin: germline.

PreventionGenetics, part of Exact Sciences
Classification: Likely benign for TTN-related condition. Last evaluated: 2025-06-11. Review status: criteria provided, single submitter. Criteria: ACMG Guidelines, 2015. Collection method: clinical testing. Allele origin: germline.
Comment: This variant is classified as likely benign based on ACMG/AMP sequence variant interpretation guidelines (Richards et al. 2015 PMID: 25741868, with internal and published modifications).

Blueprint Genetics
Classification: Likely benign. Last evaluated: 2024-11-19. Review status: criteria provided, single submitter. Criteria: ACMG Guidelines, 2015. Collection method: clinical testing. Allele origin: germline.

GeneDx
Classification: Likely benign. Last evaluated: 2017-12-28. Review status: criteria provided, single submitter. Criteria: GeneDx Variant Classification (06012015). Collection method: clinical testing. Allele origin: germline. Affected: yes.
Comment: This variant is considered likely benign or benign based on one or more of the following criteria: it is a conservative change, it occurs at a poorly conserved position in the protein, it is predicted to be benign by multiple in silico algorithms, and/or has population frequency not consistent with disease.